The following is an entry in ClinVar:

NM_000169.3(GLA):c.861G>C (p.Trp287Cys)

Genes: GLA (galactosidase alpha; minus strand), RPL36A-HNRNPH2 (RPL36A-HNRNPH2 readthrough; plus strand). Cytogenetic location: Xq22.1.
Variant type: single nucleotide variant.
Coding change: c.861G>C on transcript NM_000169.3 (MANE Select); coding-DNA position 861, G replaced by C.
Protein change: p.Trp287Cys; replaces tryptophan 287 with cysteine.
Molecular consequence: missense variant. On other transcripts: non-coding transcript variant (3), intron variant (2).
Genome position (GRCh38, 1-based): chrX:101,398,508, C>G on the plus strand (G>C on the coding strand, the complement: GLA is on the minus strand). VCF-style: chrX-101398508-C-G. GRCh37 (hg19) VCF-style: chrX-100653496-C-G.
Other names: c.984G>C, p.Trp328Cys (NM_001406747.1); c.861G>C, p.Trp287Cys (NM_001406748.1); c.300+3051C>G (NM_001199973.2); c.177+6686C>G (NM_001199974.2); short protein forms W287C, W328C.
Identifiers: ClinVar variation 4087554 (VCV004087554.2).

ClinVar aggregate classification (germline): Likely pathogenic (1 of 4 stars; one submission).

Conditions:
Fabry disease. Also called: ALPHA-GALACTOSIDASE A DEFICIENCY; ANDERSON-FABRY DISEASE; CERAMIDE TRIHEXOSIDASE DEFICIENCY; GLA DEFICIENCY; HEREDITARY DYSTOPIC LIPIDOSIS; Angiokeratoma corporis diffusum. Identifiers: Orphanet 324, MedGen C0002986, MONDO:0010526, OMIM 301500, HP:0001071. Disease mechanism: Fabry disease is due to inactivating mutations in the X-linked GLA gene resulting in deficiency of the enzyme Alpha Galactosidase-A., loss of function.

Submission:

Genomenon, Inc
Classification: Likely pathogenic for Fabry disease. Last evaluated: 2026-09-08. Review status: criteria provided, single submitter. Criteria: Genomenon Sequence Variant Interpretation Standards - Updated. Collection method: curation. Allele origin: germline. Affected: no.
Comment: GLA p.Trp287Cys (c.861G>C) is a missense variant that changes the amino acid at codon 287 from Tryptophan to Cysteine. To our knowledge, this variant has not been reported in patients affected with Fabry disease in the published literature. At least one functional study has demonstrated a substantial alteration in protein function relative to the wild-type (PMID:21598360). It is absent or not present at a significant frequency in gnomAD. In silico models predict that this variant is possibly or probably damaging. In conclusion, we classify GLA p.Trp287Cys (c.861G>C) as a likely pathogenic variant.

Literature cited by the submitters: PubMed 21598360.